The following is an entry in ClinVar:

NM_001080421.3(UNC13A):c.4922G>A (p.Arg1641His)

Gene: UNC13A (unc-13 homolog A; minus strand). Cytogenetic location: 19p13.11.
Variant type: single nucleotide variant.
Coding change: c.4922G>A on transcript NM_001080421.3 (MANE Select); coding-DNA position 4922, G replaced by A.
Protein change: p.Arg1641His; replaces arginine 1641 with histidine.
Molecular consequence: missense variant.
Genome position (GRCh38, 1-based): chr19:17,606,244, C>T on the plus strand (G>A on the coding strand, the complement: UNC13A is on the minus strand). VCF-style: chr19-17606244-C-T. GRCh37 (hg19) VCF-style: chr19-17717053-C-T.
Other names: c.4910G>A, p.Arg1637His (NM_001387021.1); c.4907G>A, p.Arg1636His (NM_001387022.1); c.4841G>A, p.Arg1614His (NM_001387023.1); short protein forms R1614H, R1641H, R1636H, R1637H.
Identifiers: ClinVar variation 3186470 (VCV003186470.2), dbSNP rs745598504, ClinGen allele CA9297521.

ClinVar aggregate classification (germline): Uncertain significance. Review status: criteria provided, multiple submitters, no conflicts (2 of 4 stars). 2 submissions from 2 submitters: Uncertain significance (2). Last evaluated 2024-10-30.

Allele frequency attached by ClinVar (database versions not stated): gnomAD 0.00004; TOPMed 0.00005; ExAC 0.00008.
gnomAD v4.1: 270 of 1,548,404 alleles (0.017%); highest among the groups gnomAD compares: Non-Finnish European, 0.022%; no homozygotes.

Submissions (2):

GeneDx
Classification: Uncertain significance. Last evaluated: 2024-10-30. Review status: criteria provided, single submitter. Criteria: GeneDx Variant Classification Process June 2021. Collection method: clinical testing. Allele origin: germline. Affected: yes.
Comment: In silico analysis supports that this missense variant has a deleterious effect on protein structure/function; Has not been previously published as pathogenic or benign to our knowledge

Ambry Genetics
Classification: Uncertain significance. Last evaluated: 2023-10-05. Review status: criteria provided, single submitter. Criteria: Ambry Variant Classification Scheme 2023. Collection method: clinical testing. Allele origin: germline.